The following is an entry in ClinVar:

ClinVar aggregate classification (germline): Uncertain significance. Review status: criteria provided, multiple submitters, no conflicts (2 of 4 stars). 2 submissions from 2 submitters: Uncertain significance (2). Last evaluated 2023-06-02.

Conditions:
Spermatogenic failure 18. Identifiers: MedGen C4539783, MONDO:0054615, OMIM 617576.
Ciliary dyskinesia, primary, 37 (CILD37). Also called: CILIARY DYSKINESIA, PRIMARY, 37, WITH OR WITHOUT SITUS INVERSUS. Identifiers: MedGen C4539798, MONDO:0033204, OMIM 617577.

Allele frequency attached by ClinVar (database versions not stated): gnomAD 0.00001; TOPMed 0.00002.
gnomAD v4.1: 9 of 1,613,670 alleles (0.00056%); highest among the groups gnomAD compares: African/African-American, 0.0013%; no homozygotes.

Submissions (2):

Ambry Genetics
Classification: Uncertain significance. Last evaluated: 2023-06-02. Review status: criteria provided, single submitter. Criteria: Ambry Variant Classification Scheme 2023. Collection method: clinical testing. Allele origin: germline.

Labcorp Genetics (formerly Invitae), Labcorp
Classification: Uncertain significance for Ciliary dyskinesia, primary, 37; Spermatogenic failure 18. Last evaluated: 2022-06-04. Review status: criteria provided, single submitter. Criteria: Invitae Variant Classification Sherloc (09022015). Collection method: clinical testing. Allele origin: germline.
Comment: This sequence change replaces lysine, which is basic and polar, with glutamic acid, which is acidic and polar, at codon 473 of the DNAH1 protein (p.Lys473Glu). This variant is present in population databases (no rsID available, gnomAD 0.01%). This variant has not been reported in the literature in individuals affected with DNAH1-related conditions. Algorithms developed to predict the effect of missense changes on protein structure and function output the following: SIFT: "Deleterious"; PolyPhen-2: "Benign"; Align-GVGD: "Class C0". The glutamic acid amino acid residue is found in multiple mammalian species, which suggests that this missense change does not adversely affect protein function. In summary, the available evidence is currently insufficient to determine the role of this variant in disease. Therefore, it has been classified as a Variant of Uncertain Significance.

NM_015512.5(DNAH1):c.1417A>G (p.Lys473Glu)

Gene: DNAH1 (dynein axonemal heavy chain 1; plus strand). Cytogenetic location: 3p21.1.
Variant type: single nucleotide variant.
Coding change: c.1417A>G on transcript NM_015512.5 (MANE Select); coding-DNA position 1417, A replaced by G.
Protein change: p.Lys473Glu; replaces lysine 473 with glutamic acid.
Molecular consequence: missense variant.
Genome position (GRCh38, 1-based): chr3:52,344,620, A>G. VCF-style: chr3-52344620-A-G. GRCh37 (hg19) VCF-style: chr3-52378636-A-G.
Other names: c.1417A>G (NM_015512.4); short protein forms K473E.
Identifiers: ClinVar variation 1901168 (VCV001901168.4), dbSNP rs1000994816, ClinGen allele CA74737042.